The following is an entry in ClinVar:

ClinVar aggregate classification (germline): Uncertain significance (1 of 4 stars; one submission).

Conditions:
STING-associated vasculopathy with onset in infancy. Also called: Sting-associated vasculopathy, infantile-onset. Identifiers: Orphanet 425120, MedGen C4014722, MONDO:0014405, OMIM 615934.

gnomAD v4.1: 10 of 1,605,938 alleles (0.00062%); highest among the groups gnomAD compares: Non-Finnish European, 0.00085%; no homozygotes.

Submission:

Labcorp Genetics (formerly Invitae), Labcorp
Classification: Uncertain significance for STING-associated vasculopathy with onset in infancy. Last evaluated: 2023-06-05. Review status: criteria provided, single submitter. Criteria: Invitae Variant Classification Sherloc (09022015). Collection method: clinical testing. Allele origin: germline.
Comment: In summary, the available evidence is currently insufficient to determine the role of this variant in disease. Therefore, it has been classified as a Variant of Uncertain Significance. This variant is not present in population databases (gnomAD no frequency). This sequence change replaces histidine, which is basic and polar, with glutamine, which is neutral and polar, at codon 7 of the TMEM173 protein (p.His7Gln). This variant has not been reported in the literature in individuals affected with TMEM173-related conditions. Algorithms developed to predict the effect of sequence changes on RNA splicing suggest that this variant may disrupt the consensus splice site. An algorithm developed to predict the effect of missense changes on protein structure and function (PolyPhen-2) suggests that this variant is likely to be disruptive.

NM_198282.4(STING1):c.21T>G (p.His7Gln)

Gene: STING1 (stimulator of interferon response cGAMP interactor 1; minus strand). Cytogenetic location: 5q31.2.
Variant type: single nucleotide variant.
Coding change: c.21T>G on transcript NM_198282.4 (MANE Select); coding-DNA position 21, T replaced by G.
Protein change: p.His7Gln; replaces histidine 7 with glutamine.
Molecular consequence: missense variant. On other transcripts: intron variant (1).
Genome position (GRCh38, 1-based): chr5:139,481,684, A>C on the plus strand (T>G on the coding strand, the complement: STING1 is on the minus strand). VCF-style: chr5-139481684-A-C. GRCh37 (hg19) VCF-style: chr5-138861269-A-C.
Other names: c.21T>G, p.His7Gln (NM_001301738.2); c.-130-342T>G (NM_001367258.1); short protein forms H7Q.
Identifiers: ClinVar variation 2970011 (VCV002970011.3), dbSNP rs2547066795, ClinGen allele CA361482021.